The following is an entry in ClinVar:

NM_001348716.2(KDM6B):c.1432C>T (p.Arg478Cys)

Gene: KDM6B (lysine demethylase 6B; plus strand). Cytogenetic location: 17p13.1.
Variant type: single nucleotide variant.
Coding change: c.1432C>T on transcript NM_001348716.2 (MANE Select); coding-DNA position 1432, C replaced by T.
Protein change: p.Arg478Cys; replaces arginine 478 with cysteine.
Molecular consequence: missense variant.
Genome position (GRCh38, 1-based): chr17:7,847,720, C>T. VCF-style: chr17-7847720-C-T. GRCh37 (hg19) VCF-style: chr17-7751038-C-T.
Other names: c.1432C>T, p.Arg478Cys (NM_001080424.2); short protein forms R478C.
Identifiers: ClinVar variation 2442595 (VCV002442595.2), dbSNP rs756565038, ClinGen allele CA8360648.
Genomic context (GRCh38, chr17:7,847,720, plus strand): 5'-CACCTATCCCTGCCACCTGGACCTTCCTCACCCCCTCCACCCCCCTGTCCCCGCCTCTTA[C>T]GCCCCCCACCACCCCCTGCCTGGTTGAAGGGTCCGGCCTGCCGGGCAGCCCGAGAGGATG-3'
Protein context (NP_001335645.1, residues 468-488): PPPPPCPRLL[Arg478Cys]PPPPPAWLKG

ClinVar aggregate classification (germline): Uncertain significance. Review status: criteria provided, multiple submitters, no conflicts (2 of 4 stars). 2 submissions from 2 submitters: Uncertain significance (2). Last evaluated 2025-09-03.

Conditions:
Inborn genetic diseases. Identifiers: MedGen C0950123, MeSH D030342.

Submissions (2):

Ambry Genetics
Classification: Uncertain significance for Inborn genetic diseases. Last evaluated: 2025-09-03. Review status: criteria provided, single submitter. Criteria: Ambry Variant Classification Scheme 2023. Collection method: clinical testing. Allele origin: germline.

GeneDx
Classification: Uncertain significance. Last evaluated: 2022-09-01. Review status: criteria provided, single submitter. Criteria: GeneDx Variant Classification Process June 2021. Collection method: clinical testing. Allele origin: germline. Affected: yes.
Comment: In silico analysis supports that this missense variant does not alter protein structure/function; Has not been previously published as pathogenic or benign to our knowledge